The following is an entry in ClinVar:

ClinVar aggregate classification (germline): Uncertain significance (1 of 4 stars; one submission).

Submission:

Ambry Genetics
Classification: Uncertain significance. Last evaluated: 2025-11-14. Review status: criteria provided, single submitter. Criteria: Ambry Variant Classification Scheme 2023. Collection method: clinical testing. Allele origin: germline.
Comment: The p.D38E variant (also known as c.114C>G), located in coding exon 3 of the RPS20 gene, results from a C to G substitution at nucleotide position 114. The aspartic acid at codon 38 is replaced by glutamic acid, an amino acid with highly similar properties. This amino acid position is highly conserved in available vertebrate species. In addition, the in silico prediction for this alteration is inconclusive. Based on the available evidence, the clinical significance of this variant remains unclear.

NM_001023.4(RPS20):c.114C>G (p.Asp38Glu)

Gene: RPS20 (ribosomal protein S20; minus strand). Cytogenetic location: 8q12.1.
Variant type: single nucleotide variant.
Coding change: c.114C>G on transcript NM_001023.4 (MANE Select); coding-DNA position 114, C replaced by G.
Protein change: p.Asp38Glu; replaces aspartic acid 38 with glutamic acid.
Molecular consequence: missense variant.
Genome position (GRCh38, 1-based): chr8:56,073,758, G>C on the plus strand (C>G on the coding strand, the complement: RPS20 is on the minus strand). VCF-style: chr8-56073758-G-C. GRCh37 (hg19) VCF-style: chr8-56986317-G-C.
Other names: c.114C>G, p.Asp38Glu (NM_001146227.3); short protein forms D38E.
Identifiers: ClinVar variation 4579502 (VCV004579502.1).
Genomic context (GRCh38, chr8:56,073,758, plus strand): 5'-GGTAGGCATTCGAACTGGTCCTTTCACTTTGAGATTCTTTTCTTTTGCGCCTCTTATCAA[G>C]TCAGCACACACTACAGGAAATAAAAGACCTCTCAGTATAATCGAAACAATTAAAATCGGC-3'
Protein context (NP_001014.1, residues 28-48): NVKSLEKVCA[Asp38Glu]LIRGAKEKNL